The following is an entry in ClinVar:

NM_001283009.2(RTEL1):c.3411C>T (p.Gly1137=)

Genes: RTEL1 (regulator of telomere elongation helicase 1; plus strand), RTEL1-TNFRSF6B (RTEL1-TNFRSF6B readthrough (NMD candidate); plus strand). Cytogenetic location: 20q13.33.
Variant type: single nucleotide variant.
Coding change: c.3411C>T on transcript NM_001283009.2 (MANE Select); coding-DNA position 3411, C replaced by T.
Protein change: p.Gly1137=; no amino-acid change (glycine 1137 retained).
Molecular consequence: synonymous variant. On other transcripts: non-coding transcript variant (1).
Genome position (GRCh38, 1-based): chr20:63,695,133, C>T. VCF-style: chr20-63695133-C-T. GRCh37 (hg19) VCF-style: chr20-62326486-C-T.
Other names: c.2742C>T, p.Gly914= (NM_001283010.1); c.3411C>T, p.Gly1137= (NM_016434.4); c.3483C>T, p.Gly1161= (NM_032957.5).
Identifiers: ClinVar variation 3239580 (VCV003239580.22), dbSNP rs1040621164.
Genomic context (GRCh38, chr20:63,695,133, plus strand): 5'-CATGTTTGTGCGTCCACACCACAAGCAGCGCTTCTCACAGACGTGCACAGACCTGACCGG[C>T]CGGCCCTACCCGGGCATGGAGCCACCGGGACCCCAGGAGGAGAGGCTTGCCGTGCCTCCT-3'
Protein context (NP_001269938.1, residues 1127-1147): RFSQTCTDLT[Gly1137=]RPYPGMEPPG

ClinVar aggregate classification (germline): Likely benign. Review status: criteria provided, multiple submitters, no conflicts (2 of 4 stars). 3 submissions from 3 submitters: Likely benign (3). Last evaluated 2024-11-20.

Conditions:
Dyskeratosis congenita, autosomal recessive 5 (DKCB5). Identifiers: MedGen C3554656, MONDO:0014076, OMIM 615190.
Pulmonary fibrosis and/or bone marrow failure, Telomere-related, 3. Also called: PULMONARY FIBROSIS AND/OR BONE MARROW FAILURE SYNDROME, TELOMERE-RELATED, 3. Identifiers: Orphanet 2032, MedGen C4225346, MONDO:0014613, OMIM 616373.
Inborn genetic diseases. Identifiers: MedGen C0950123, MeSH D030342.

Allele frequency attached by ClinVar (database versions not stated): gnomAD 0.00001; TOPMed 0.00001.
gnomAD v4.1: 45 of 1,612,252 alleles (0.0028%); highest among the groups gnomAD compares: Non-Finnish European, 0.0038%; no homozygotes.

Submissions (3):

Ambry Genetics
Classification: Likely benign for Inborn genetic diseases. Last evaluated: 2024-11-20. Review status: criteria provided, single submitter. Criteria: Ambry Variant Classification Scheme 2023. Collection method: clinical testing. Allele origin: germline.

Labcorp Genetics (formerly Invitae), Labcorp
Classification: Likely benign for Dyskeratosis congenita, autosomal recessive 5; Pulmonary fibrosis and/or bone marrow failure, Telomere-related, 3. Last evaluated: 2024-06-11. Review status: criteria provided, single submitter. Criteria: Invitae Variant Classification Sherloc (09022015). Collection method: clinical testing. Allele origin: germline.

CeGaT Center for Human Genetics Tuebingen
Classification: Likely benign. Last evaluated: 2024-05-01. Review status: criteria provided, single submitter. Criteria: CeGaT Center For Human Genetics Tuebingen Variant Classification Criteria Version 2. Collection method: clinical testing. Allele origin: germline. Affected: yes. Observed: 1 variant allele.
Comment: RTEL1: BP4, BP7